The following is an entry in ClinVar:

NM_000081.4(LYST):c.9784+5G>A

Gene: LYST (lysosomal trafficking regulator; minus strand). Cytogenetic location: 1q42.3.
Variant type: single nucleotide variant.
Coding change: c.9784+5G>A on transcript NM_000081.4 (MANE Select); 5 bases into the intron after coding-DNA position 9784, G replaced by A.
Molecular consequence: intron variant.
Genome position (GRCh38, 1-based): chr1:235,715,196, C>T on the plus strand (G>A on the coding strand, the complement: LYST is on the minus strand). VCF-style: chr1-235715196-C-T. GRCh37 (hg19) VCF-style: chr1-235878496-C-T.
Other names: c.9784+5G>A (NM_001301365.1).
Identifiers: ClinVar variation 2126014 (VCV002126014.4), dbSNP rs750916490, ClinGen allele CA1465501.
Genomic context (GRCh38, chr1:235,715,196, plus strand): 5'-TTGTTGTTGTTGTTGTTGTTTCTGATGACCCAACATGACTTTTTAGGCAGTTATTAAATT[C>T]TTACCTTGATAGGCTAAAAACATTTTAGTGAAAGGAGGCATCCTGACCAGGAAGTGAAGC-3'

ClinVar aggregate classification (germline): Uncertain significance (1 of 4 stars; one submission).

Conditions:
Chédiak-Higashi syndrome (CHS). Also called: Chediak-Higashi Syndrome. Identifiers: Orphanet 167, MedGen C0007965, MONDO:0008963, OMIM 214500.

gnomAD v4.1: 1 of 1,613,432 alleles (0.000062%); highest among the groups gnomAD compares: East Asian, 0.0022%; no homozygotes.

Submission:

Labcorp Genetics (formerly Invitae), Labcorp
Classification: Uncertain significance for Chédiak-Higashi syndrome. Last evaluated: 2022-04-13. Review status: criteria provided, single submitter. Criteria: Invitae Variant Classification Sherloc (09022015). Collection method: clinical testing. Allele origin: germline.
Comment: This sequence change falls in intron 42 of the LYST gene. It does not directly change the encoded amino acid sequence of the LYST protein. It affects a nucleotide within the consensus splice site. This variant is present in population databases (rs750916490, gnomAD 0.006%). Variants that disrupt the consensus splice site are a relatively common cause of aberrant splicing (PMID: 17576681, 9536098). Algorithms developed to predict the effect of sequence changes on RNA splicing suggest that this variant may disrupt the consensus splice site. In summary, the available evidence is currently insufficient to determine the role of this variant in disease. Therefore, it has been classified as a Variant of Uncertain Significance. This variant has not been reported in the literature in individuals affected with LYST-related conditions.

Literature cited by the submitters: PubMed 17576681; PubMed 9536098.